The following is an entry in ClinVar:

ClinVar aggregate classification (germline): Benign. Review status: criteria provided, multiple submitters, no conflicts (2 of 4 stars). 4 submissions from 4 submitters: Benign (4). Last evaluated 2026-04-01.

Allele frequency attached by ClinVar (database versions not stated): ExAC 0.00036; gnomAD 0.00125 and 0.00134; TOPMed 0.00204; gnomAD exomes 0.00218; 1000 Genomes Project 30x 0.00312; 1000 Genomes Project 0.00339.
gnomAD v4.1: 691 of 1,511,804 alleles (0.046%); highest among the groups gnomAD compares: Admixed American, 1.4%; 16 homozygotes.

Submissions (4):

CeGaT Center for Human Genetics Tuebingen
Classification: Benign. Last evaluated: 2026-04-01. Review status: criteria provided, single submitter. Criteria: CeGaT Center For Human Genetics Tuebingen Variant Classification Criteria Version 2. Collection method: clinical testing. Allele origin: germline. Affected: yes. Observed: 2 variant alleles.
Comment: SCARF2: BS1, BS2

Labcorp Genetics (formerly Invitae), Labcorp
Classification: Benign. Last evaluated: 2025-12-17. Review status: criteria provided, single submitter. Criteria: Invitae Variant Classification Sherloc (09022015). Collection method: clinical testing. Allele origin: germline.

GeneDx
Classification: Benign. Last evaluated: 2020-08-11. Review status: criteria provided, single submitter. Criteria: GeneDx Variant Classification Process June 2021. Collection method: clinical testing. Allele origin: germline. Affected: yes.

Breakthrough Genomics
Classification: Benign. Review status: criteria provided, single submitter. Criteria: ACMG Guidelines, 2015. Collection method: not provided. Allele origin: germline. Inheritance: Autosomal recessive inheritance. Affected: yes.

NM_182895.5(SCARF2):c.1789G>A (p.Glu597Lys)

Gene: SCARF2 (scavenger receptor class F member 2; minus strand). Cytogenetic location: 22q11.21.
Variant type: single nucleotide variant.
Coding change: c.1789G>A on transcript NM_182895.5 (MANE Select); coding-DNA position 1789, G replaced by A.
Protein change: p.Glu597Lys; replaces glutamic acid 597 with lysine.
Molecular consequence: missense variant.
Genome position (GRCh38, 1-based): chr22:20,426,187, C>T on the plus strand (G>A on the coding strand, the complement: SCARF2 is on the minus strand). VCF-style: chr22-20426187-C-T. GRCh37 (hg19) VCF-style: chr22-20780474-C-T.
Other names: c.1804G>A, p.Glu602Lys (NM_153334.7); short protein forms E597K, E602K.
Identifiers: ClinVar variation 1223275 (VCV001223275.20), dbSNP rs201929223, ClinGen allele CA10112282.